The following is an entry in ClinVar:

NM_014363.6(SACS):c.12053T>C (p.Ile4018Thr)

Gene: SACS (sacsin molecular chaperone; minus strand). Cytogenetic location: 13q12.12.
Variant type: single nucleotide variant.
Coding change: c.12053T>C on transcript NM_014363.6 (MANE Select); coding-DNA position 12053, T replaced by C.
Protein change: p.Ile4018Thr; replaces isoleucine 4018 with threonine.
Molecular consequence: missense variant.
Genome position (GRCh38, 1-based): chr13:23,331,823, A>G on the plus strand (T>C on the coding strand, the complement: SACS is on the minus strand). VCF-style: chr13-23331823-A-G. GRCh37 (hg19) VCF-style: chr13-23905962-A-G.
Other names: p.Ile4018Thr; c.11612T>C, p.Ile3871Thr (NM_001278055.2); short protein forms I3871T, I4018T.
Identifiers: ClinVar variation 2058067 (VCV002058067.5), dbSNP rs757430776, ClinGen allele CA6910186.

ClinVar aggregate classification (germline): Conflicting classifications of pathogenicity. Review status: criteria provided, conflicting classifications (1 of 4 stars). 2 submissions from 2 submitters: Uncertain significance (1); Likely benign (1). Last evaluated 2025-10-07.

Conditions:
Spastic paraplegia. Identifiers: MedGen C0037772, HP:0001258.

Allele frequency attached by ClinVar (database versions not stated): gnomAD exomes 0.00001; ExAC 0.00001; TOPMed 0.00002; gnomAD 0.00001.
gnomAD v4.1: 20 of 1,613,918 alleles (0.0012%); highest among the groups gnomAD compares: Admixed American, 0.0017%; no homozygotes.

Submissions (2):

Mayo Clinic Laboratories, Mayo Clinic
Classification: Uncertain significance. Last evaluated: 2025-10-07. Review status: criteria provided, single submitter. Criteria: ACMG Guidelines, 2015. Collection method: clinical testing. Allele origin: germline. Observed: 2 variant alleles.
Comment: PP3_moderate, PM2_supporting

Labcorp Genetics (formerly Invitae), Labcorp
Classification: Likely benign for Spastic paraplegia. Last evaluated: 2023-12-01. Review status: criteria provided, single submitter. Criteria: Invitae Variant Classification Sherloc (09022015). Collection method: clinical testing. Allele origin: germline.